The following is an entry in ClinVar:

ClinVar aggregate classification (germline): Uncertain significance. Review status: criteria provided, multiple submitters, no conflicts (2 of 4 stars). 2 submissions from 2 submitters: Uncertain significance (2). Last evaluated 2023-06-13.

Conditions:
Tuberous sclerosis 1 (TSC1). Identifiers: Orphanet 805, MedGen C1854465, MONDO:0008612, OMIM 191100.

Submissions (2):

GeneDx
Classification: Uncertain significance. Last evaluated: 2023-06-13. Review status: criteria provided, single submitter. Criteria: GeneDx Variant Classification Process June 2021. Collection method: clinical testing. Allele origin: germline.
Comment: Not observed at significant frequency in large population cohorts (gnomAD); In silico analysis supports that this missense variant does not alter protein structure/function; Has not been previously published as pathogenic or benign to our knowledge

Labcorp Genetics (formerly Invitae), Labcorp
Classification: Uncertain significance for Tuberous sclerosis 1. Last evaluated: 2022-06-14. Review status: criteria provided, single submitter. Criteria: Invitae Variant Classification Sherloc (09022015). Collection method: clinical testing. Allele origin: germline.
Comment: In summary, the available evidence is currently insufficient to determine the role of this variant in disease. Therefore, it has been classified as a Variant of Uncertain Significance. Algorithms developed to predict the effect of missense changes on protein structure and function are either unavailable or do not agree on the potential impact of this missense change (SIFT: "Tolerated"; PolyPhen-2: "Probably Damaging"; Align-GVGD: "Class C0"). ClinVar contains an entry for this variant (Variation ID: 534423). This variant has not been reported in the literature in individuals affected with TSC1-related conditions. This variant is not present in population databases (gnomAD no frequency). This sequence change replaces leucine, which is neutral and non-polar, with phenylalanine, which is neutral and non-polar, at codon 64 of the TSC1 protein (p.Leu64Phe).

NM_000368.5(TSC1):c.192G>T (p.Leu64Phe)

Gene: TSC1 (TSC complex subunit 1; minus strand). Cytogenetic location: 9q34.13.
Variant type: single nucleotide variant.
Coding change: c.192G>T on transcript NM_000368.5 (MANE Select); coding-DNA position 192, G replaced by T.
Protein change: p.Leu64Phe; replaces leucine 64 with phenylalanine.
Molecular consequence: missense variant. On other transcripts: intron variant (1).
Genome position (GRCh38, 1-based): chr9:132,927,219, C>A on the plus strand (G>T on the coding strand, the complement: TSC1 is on the minus strand). VCF-style: chr9-132927219-C-A. GRCh37 (hg19) VCF-style: chr9-135802606-C-A.
Other names: c.192G>T, p.Leu64Phe (NM_001162426.2, NM_001162427.2); c.-153-1480G>T (NM_001362177.2); short protein forms L64F.
Identifiers: ClinVar variation 534423 (VCV000534423.10), dbSNP rs1554820635, ClinGen allele CA375375061.